The following continues an entry in ClinVar:

NM_007294.4(BRCA1):c.5152+5G>A

Gene: BRCA1. ClinVar aggregate classification (germline): Pathogenic/Likely pathogenic. Pathogenic (7); Likely pathogenic (2).

Submissions 8 to 12 of 12:

Women's Health and Genetics/Laboratory Corporation of America, LabCorp
Classification: Pathogenic for Hereditary breast and ovarian cancer syndrome. Last evaluated: 2018-03-26. Review status: criteria provided, single submitter. Criteria: LabCorp Variant Classification Summary - May 2015. Collection method: clinical testing. Allele origin: germline.
Comment: Variant summary: BRCA1 c.5152+5G>A alters a conserved nucleotide located close to a canonical splice site and therefore could affect mRNA splicing, leading to a significantly altered protein sequence. Several computational tools predict a significant impact on normal splicing: Four predict the variant abolishes a 5' splicing donor site and one predict a significant weaking effect on the 5' donor site. At least one publication reports experimental evidence that this variant affects mRNA splicing, with skipping of exon 18 (Campos_2003). The variant was absent in 246244 control chromosomes (gnomAD). c.5152+5G>A has been reported in the literature in multiple individuals affected with Hereditary Breast and Ovarian Cancer (Jimenez_2013, Diez_2003, Shi_2017, Campos_2003). These data indicate that the variant is very likely to be associated with disease. One clinical diagnostic laboratory has submitted clinical-significance assessments for this variant to ClinVar after 2014 without evidence for independent evaluation and classified the variant as pathogenic. Based on the evidence outlined above, the variant was classified as pathogenic.

Consortium of Investigators of Modifiers of BRCA1/2 (CIMBA), c/o University of Cambridge
Classification: Pathogenic for Breast-ovarian cancer, familial, susceptibility to, 1. Last evaluated: 2015-10-02. Review status: criteria provided, single submitter. Criteria: CIMBA Mutation Classification guidelines May 2016. Collection method: clinical testing. Allele origin: germline.

Sharing Clinical Reports Project (SCRP)
Classification: Likely pathogenic for Breast-ovarian cancer, familial 1. Last evaluated: 2012-11-21. Review status: no assertion criteria provided. Collection method: clinical testing. Allele origin: germline. Not counted in ClinVar's aggregate classification.

Breast Cancer Information Core (BIC) (BRCA1)
Classification: Uncertain significance for Breast-ovarian cancer, familial 1. Last evaluated: 2004-02-20. Review status: no assertion criteria provided. Collection method: clinical testing. Allele origin: germline. Affected: yes. Observed: 1 variant allele. Not counted in ClinVar's aggregate classification.

Brotman Baty Institute, University of Washington
No classification provided (evidence only). Condition: Breast-ovarian cancer, familial 1. Review status: no classification provided. Collection method: in vitro. Allele origin: not applicable. Functional consequence: functionally_abnormal. Not counted in ClinVar's aggregate classification.
ClinVar note: "not provided" was previously submitted as the classification for the variant. However, the classification appeared to be based only on an observation of functional data so it was converted to no classification on 2025-07-30.

Literature cited by the submitters: PubMed 12955716 (cited by 3 submitters); PubMed 12955719 (cited by 4 submitters); PubMed 23479189 (cited by Labcorp Genetics (formerly Invitae), Labcorp and Quest Diagnostics Nichols Institute San Juan Capistrano); PubMed 29470806 (cited by 3 submitters); PubMed 17576681 (cited by Labcorp Genetics (formerly Invitae), Labcorp); PubMed 9536098 (cited by Labcorp Genetics (formerly Invitae), Labcorp); PubMed 30209399 (cited by 3 submitters); PubMed 10508480 (cited by Labcorp Genetics (formerly Invitae), Labcorp); PubMed 11157798 (cited by Labcorp Genetics (formerly Invitae), Labcorp); PubMed 20516115 (cited by Labcorp Genetics (formerly Invitae), Labcorp); PubMed 22856468 (cited by Labcorp Genetics (formerly Invitae), Labcorp); PubMed 28781887 (cited by Labcorp Genetics (formerly Invitae), Labcorp); PubMed 30765603 (cited by Labcorp Genetics (formerly Invitae), Labcorp); PubMed 25525159 (cited by Quest Diagnostics Nichols Institute San Juan Capistrano); PubMed 31589614 (cited by Quest Diagnostics Nichols Institute San Juan Capistrano); PubMed 31825140 (cited by Quest Diagnostics Nichols Institute San Juan Capistrano); PubMed 35220195 (cited by Quest Diagnostics Nichols Institute San Juan Capistrano); PubMed 22762150 (cited by Quest Diagnostics Nichols Institute San Juan Capistrano); PubMed 29446198 (cited by Quest Diagnostics Nichols Institute San Juan Capistrano); PubMed 30702160 (cited by Quest Diagnostics Nichols Institute San Juan Capistrano and Ambry Genetics); PubMed 28176296 (cited by 3 submitters); PubMed 27886673 (cited by Ambry Genetics).